The following is an entry in ClinVar:

ClinVar aggregate classification (germline): Uncertain significance (1 of 4 stars; one submission).

Conditions:
Charcot-Marie-Tooth disease axonal type 2O. Also called: CHARCOT-MARIE-TOOTH NEUROPATHY, AXONAL, TYPE 2O; CHARCOT-MARIE-TOOTH DISEASE, AXONAL, AUTOSOMAL DOMINANT, TYPE 2O; Charcot-Marie-Tooth Neuropathy Type 2O; Charcot-Marie-Tooth disease, axonal, type 20. Identifiers: Orphanet 284232, MedGen C3280220, MONDO:0013644, OMIM 614228.

Allele frequency attached by ClinVar (database versions not stated): gnomAD exomes below 0.00001; gnomAD 0.00001; TOPMed 0.00001.
gnomAD v4.1: 1 of 1,614,092 alleles (0.000062%); highest among the groups gnomAD compares: Non-Finnish European, 0.000085%; no homozygotes.

Submission:

Labcorp Genetics (formerly Invitae), Labcorp
Classification: Uncertain significance for Charcot-Marie-Tooth disease axonal type 2O. Last evaluated: 2022-08-25. Review status: criteria provided, single submitter. Criteria: Invitae Variant Classification Sherloc (09022015). Collection method: clinical testing. Allele origin: germline.
Comment: This sequence change replaces arginine, which is basic and polar, with histidine, which is basic and polar, at codon 611 of the DYNC1H1 protein (p.Arg611His). This variant is present in population databases (no rsID available, gnomAD 0.0009%). This variant has not been reported in the literature in individuals affected with DYNC1H1-related conditions. ClinVar contains an entry for this variant (Variation ID: 1017474). Algorithms developed to predict the effect of missense changes on protein structure and function are either unavailable or do not agree on the potential impact of this missense change (SIFT: "Deleterious"; PolyPhen-2: "Benign"; Align-GVGD: "Class C0"). In summary, the available evidence is currently insufficient to determine the role of this variant in disease. Therefore, it has been classified as a Variant of Uncertain Significance.

NM_001376.5(DYNC1H1):c.1832G>A (p.Arg611His)

Gene: DYNC1H1 (dynein cytoplasmic 1 heavy chain 1; plus strand). Cytogenetic location: 14q32.31.
Variant type: single nucleotide variant.
Coding change: c.1832G>A on transcript NM_001376.5 (MANE Select); coding-DNA position 1832, G replaced by A.
Protein change: p.Arg611His; replaces arginine 611 with histidine.
Molecular consequence: missense variant.
Genome position (GRCh38, 1-based): chr14:101,986,057, G>A. VCF-style: chr14-101986057-G-A. GRCh37 (hg19) VCF-style: chr14-102452394-G-A.
Other names: short protein forms R611H.
Identifiers: ClinVar variation 1017474 (VCV001017474.10), dbSNP rs907022997, ClinGen allele CA266980641.
Genomic context (GRCh38, chr14:101,986,057, plus strand): 5'-TGTTTGTCAGGCCTCACATCCGTGGGGCCATTCGCGAATACCAGACCCAGCTGATCCAGC[G>A]CGTGAAAGATGACATTGAGTCTCTTCACGACAAGTTCAAGGTCCAGTACCCACAGAGTCA-3'
Protein context (NP_001367.2, residues 601-621): IREYQTQLIQ[Arg611His]VKDDIESLHD